The following is an entry in ClinVar:

ClinVar aggregate classification (germline): Uncertain significance. Review status: criteria provided, multiple submitters, no conflicts (2 of 4 stars). 3 submissions from 3 submitters: Uncertain significance (2). 1 of the submissions does not count toward it. Last evaluated 2024-10-01.

Conditions:
Tuberous sclerosis syndrome (TSC). Also called: Tuberous Sclerosis Complex; Tuberous sclerosis. Identifiers: Orphanet 805, MedGen C0041341, MONDO:0001734.
Tuberous sclerosis 2 (TSC2). Identifiers: Orphanet 805, MedGen C1860707, MONDO:0013199, OMIM 613254.

Submissions (3):

CeGaT Center for Human Genetics Tuebingen
Classification: Uncertain significance. Last evaluated: 2024-10-01. Review status: criteria provided, single submitter. Criteria: CeGaT Center For Human Genetics Tuebingen Variant Classification Criteria Version 2. Collection method: clinical testing. Allele origin: germline. Affected: yes. Observed: 1 variant allele.
Comment: TSC2: PM2

Labcorp Genetics (formerly Invitae), Labcorp
Classification: Uncertain significance for Tuberous sclerosis 2. Last evaluated: 2022-10-13. Review status: criteria provided, single submitter. Criteria: Invitae Variant Classification Sherloc (09022015). Collection method: clinical testing. Allele origin: germline.
Comment: This sequence change replaces arginine, which is basic and polar, with proline, which is neutral and non-polar, at codon 367 of the TSC2 protein (p.Arg367Pro). This variant is not present in population databases (gnomAD no frequency). This missense change has been observed in individual(s) with TSC2-related conditions (PMID: 21520333). ClinVar contains an entry for this variant (Variation ID: 64859). Advanced modeling of protein sequence and biophysical properties (such as structural, functional, and spatial information, amino acid conservation, physicochemical variation, residue mobility, and thermodynamic stability) performed at Invitae indicates that this missense variant is not expected to disrupt TSC2 protein function. In summary, the available evidence is currently insufficient to determine the role of this variant in disease. Therefore, it has been classified as a Variant of Uncertain Significance.

Tuberous sclerosis database (TSC2)
No classification provided. Condition: TSC. Review status: no classification provided. Criteria: Tuberous Sclerosis Database Assertion Criteria 2015. Collection method: curation. Allele origin: germline. Affected: yes. Not counted in ClinVar's aggregate classification.

Literature cited by the submitters: PubMed 21520333 (cited by Labcorp Genetics (formerly Invitae), Labcorp).

NM_000548.5(TSC2):c.1100G>C (p.Arg367Pro)

Gene: TSC2 (TSC complex subunit 2; plus strand). Cytogenetic location: 16p13.3.
Variant type: single nucleotide variant.
Coding change: c.1100G>C on transcript NM_000548.5 (MANE Select); coding-DNA position 1100, G replaced by C.
Protein change: p.Arg367Pro; replaces arginine 367 with proline.
Molecular consequence: missense variant.
Genome position (GRCh38, 1-based): chr16:2,060,794, G>C. VCF-style: chr16-2060794-G-C. GRCh37 (hg19) VCF-style: chr16-2110795-G-C.
Other names: c.1100G>C, p.Arg367Pro (NM_001077183.3, NM_001114382.3, NM_001363528.2 and 3 more transcripts); c.989G>C, p.Arg330Pro (NM_001318827.2); c.953G>C, p.Arg318Pro (NM_001318829.2); c.500G>C, p.Arg167Pro (NM_001318831.2); c.1133G>C, p.Arg378Pro (NM_001318832.2); short protein forms R367P, R167P, R378P, R318P, R330P.
Identifiers: ClinVar variation 64859 (VCV000064859.24), dbSNP rs1800725, ClinGen allele CA013788.